The following is an entry in ClinVar:

NM_001364857.2(ADGRB2):c.1381A>G (p.Thr461Ala)

Gene: ADGRB2 (adhesion G protein-coupled receptor B2; minus strand). Cytogenetic location: 1p35.2.
Variant type: single nucleotide variant.
Coding change: c.1381A>G on transcript NM_001364857.2 (MANE Select); coding-DNA position 1381, A replaced by G.
Protein change: p.Thr461Ala; replaces threonine 461 with alanine.
Molecular consequence: missense variant.
Genome position (GRCh38, 1-based): chr1:31,742,089, T>C on the plus strand (A>G on the coding strand, the complement: ADGRB2 is on the minus strand). VCF-style: chr1-31742089-T-C. GRCh37 (hg19) VCF-style: chr1-32207690-T-C.
Other names: c.1381A>G, p.Thr461Ala (NM_001294335.2, NM_001294336.2, NM_001703.2); short protein forms T461A.
Identifiers: ClinVar variation 2785200 (VCV002785200.3), dbSNP rs766544931, ClinGen allele CA735968.

ClinVar aggregate classification (germline): Uncertain significance (1 of 4 stars; one submission).

Allele frequency attached by ClinVar (database versions not stated): gnomAD exomes below 0.00001; ExAC 0.00001.
gnomAD v4.1: 1 of 1,612,618 alleles (0.000062%); highest among the groups gnomAD compares: Admixed American, 0.0017%; no homozygotes.

Submission:

Labcorp Genetics (formerly Invitae), Labcorp
Classification: Uncertain significance. Last evaluated: 2023-10-18. Review status: criteria provided, single submitter. Criteria: Invitae Variant Classification Sherloc (09022015). Collection method: clinical testing. Allele origin: germline.
Comment: This sequence change replaces threonine, which is neutral and polar, with alanine, which is neutral and non-polar, at codon 461 of the ADGRB2 protein (p.Thr461Ala). This variant is present in population databases (rs766544931, gnomAD 0.003%). This variant has not been reported in the literature in individuals affected with ADGRB2-related conditions. Algorithms developed to predict the effect of missense changes on protein structure and function output the following: SIFT: "Not Available"; PolyPhen-2: "Benign"; Align-GVGD: "Not Available". The alanine amino acid residue is found in multiple mammalian species, which suggests that this missense change does not adversely affect protein function. In summary, the available evidence is currently insufficient to determine the role of this variant in disease. Therefore, it has been classified as a Variant of Uncertain Significance.